The following is an entry in ClinVar:

ClinVar aggregate classification (germline): Uncertain significance (1 of 4 stars; one submission).

Submission:

Quest Diagnostics Nichols Institute San Juan Capistrano
Classification: Uncertain significance. Last evaluated: 2024-11-20. Review status: criteria provided, single submitter. Criteria: Quest Diagnostics criteria. Collection method: clinical testing. Allele origin: unknown.
Comment: The XRCC2 c.64_65dup (p.Ser22Argfs*4) variant has not been reported in individuals with XRCC2-related conditions in the published literature. It also has not been reported in large, multi-ethnic general populations (Genome Aggregation Database). Since the available gene level evidence is currently insufficient to determine the role of this gene and variant in disease (ClinGen Hereditary Cancer Gene Curation Expert Panel), we are unable to determine the clinical significance of this variant in relation to hereditary cancer predisposition and Fanconi anemia complementation group U.

NM_005431.2(XRCC2):c.64_65dup (p.Ser22fs)

Gene: XRCC2 (X-ray repair cross complementing 2; minus strand). Cytogenetic location: 7q36.1.
Variant type: Duplication.
Coding change: c.64_65dup on transcript NM_005431.2 (MANE Select); coding-DNA positions 64 to 65, 2 bases duplicated (AG; older notation c.64_65dupAG).
Protein change: p.Ser22fs; shifts the reading frame from serine 22.
Molecular consequence: frameshift variant.
Genome position (GRCh38, 1-based): chr7:152,660,757-152,660,758, CT duplicated on the plus strand (AG on the coding strand, the reverse complement: XRCC2 is on the minus strand). VCF-style (leftmost placement, unchanged base first): chr7-152660756-A-ACT. GRCh37 (hg19) VCF-style: chr7-152357841-A-ACT.
Other names: short protein forms S22fs.
Identifiers: ClinVar variation 3572246 (VCV003572246.1).